The following is an entry in ClinVar:

ClinVar aggregate classification (germline): Benign/Likely benign. Review status: criteria provided, multiple submitters, no conflicts (2 of 4 stars). 4 submissions from 4 submitters: Benign (2); Likely benign (1). 1 of the submissions does not count toward it. Last evaluated 2026-01-25.

Conditions:
Congenital adrenal insufficiency with 46, XY sex reversal OR 46,XY disorder of sex development-adrenal insufficiency due to CYP11A1 deficiency. Also called: Congenital adrenal insuffiency with 46, XY sex reversal OR 46,XY disorder of sex development-adrenal insufficiency due to CYP11A1 deficiency; P450scc DEFICIENCY. Identifiers: Orphanet 168558, MedGen C3151055, MONDO:0013400, OMIM 613743.
CYP11A1-related disorder. Also called: CYP11A1-related condition.

Allele frequency attached by ClinVar (database versions not stated): gnomAD 0.00009 and 0.00046; TOPMed 0.00014; ESP Exome Variant Server 0.00015; gnomAD exomes 0.00069 and 0.00135; ExAC 0.00142; 1000 Genomes Project 30x 0.00203; 1000 Genomes Project 0.00240.
gnomAD v4.1: 1,078 of 1,614,158 alleles (0.067%); highest among the groups gnomAD compares: South Asian, 1%; 16 homozygotes.

Submissions (4):

Labcorp Genetics (formerly Invitae), Labcorp
Classification: Likely benign. Last evaluated: 2026-01-25. Review status: criteria provided, single submitter. Criteria: Invitae Variant Classification Sherloc (09022015). Collection method: clinical testing. Allele origin: germline.

CeGaT Center for Human Genetics Tuebingen
Classification: Benign. Last evaluated: 2025-09-01. Review status: criteria provided, single submitter. Criteria: CeGaT Center For Human Genetics Tuebingen Variant Classification Criteria Version 2. Collection method: clinical testing. Allele origin: germline. Affected: yes. Observed: 1 variant allele.
Comment: CYP11A1: BP4, BS1, BS2

Illumina Laboratory Services, Illumina
Classification: Benign for Congenital adrenal insufficiency with 46, XY sex reversal OR 46,XY disorder of sex development-adrenal insufficiency due to CYP11A1 deficiency. Last evaluated: 2017-04-27. Review status: criteria provided, single submitter. Criteria: ICSL Variant Classification Criteria 13 December 2019. Collection method: clinical testing. Allele origin: germline.
Comment: This variant was observed as part of a predisposition screen in an ostensibly healthy population. A literature search was performed for the gene, cDNA change, and amino acid change (where applicable). Publications were found based on this search. The evidence from the literature, in combination with allele frequency data from public databases where available, was sufficient to rule this variant out of causing disease. Therefore, this variant is classified as benign.

PreventionGenetics, part of Exact Sciences
Classification: Likely benign for CYP11A1-related condition. Last evaluated: 2024-04-19. Review status: no assertion criteria provided. Collection method: clinical testing. Allele origin: germline. Not counted in ClinVar's aggregate classification.
Comment: This variant is classified as likely benign based on ACMG/AMP sequence variant interpretation guidelines (Richards et al. 2015 PMID: 25741868, with internal and published modifications).

Literature cited by the submitters: PubMed 26300845 (cited by Illumina Laboratory Services, Illumina).

NM_000781.3(CYP11A1):c.1091A>G (p.Gln364Arg)

Gene: CYP11A1 (cytochrome P450 family 11 subfamily A member 1; minus strand). Cytogenetic location: 15q24.1.
Variant type: single nucleotide variant.
Coding change: c.1091A>G on transcript NM_000781.3 (MANE Select); coding-DNA position 1091, A replaced by G.
Protein change: p.Gln364Arg; replaces glutamine 364 with arginine.
Molecular consequence: missense variant.
Genome position (GRCh38, 1-based): chr15:74,339,653, T>C on the plus strand (A>G on the coding strand, the complement: CYP11A1 is on the minus strand). VCF-style: chr15-74339653-T-C. GRCh37 (hg19) VCF-style: chr15-74631994-T-C.
Other names: c.617A>G, p.Gln206Arg (NM_001099773.2); short protein forms Q206R, Q364R.
Identifiers: ClinVar variation 750377 (VCV000750377.20), dbSNP rs57982762, ClinGen allele CA7656375.
Genomic context (GRCh38, chr15:74,339,653, plus strand): 5'-GTCTCCTTGATGCTGGCTTTGAGGAGGGGGACCAGCTGTAGCATCGTGGCCATGTCTCCC[T>C]GGGCCTGGTGCCGCGCAGCCAAGACCTCTGCCCGCAGCATATCCTGCACCTTCAGGTTGC-3'
Protein context (NP_000772.2, residues 354-374): AEVLAARHQA[Gln364Arg]GDMATMLQLV